The following is an entry in ClinVar:

ClinVar aggregate classification (germline): Uncertain significance (1 of 4 stars; one submission).

Allele frequency attached by ClinVar (database versions not stated): gnomAD 0.00001; gnomAD exomes 0.00001; TOPMed 0.00002; ExAC 0.00004; ESP Exome Variant Server 0.00008.
gnomAD v4.1: 16 of 1,613,980 alleles (0.00099%); highest among the groups gnomAD compares: Admixed American, 0.012%; no homozygotes.

Submission:

Labcorp Genetics (formerly Invitae), Labcorp
Classification: Uncertain significance. Last evaluated: 2022-04-30. Review status: criteria provided, single submitter. Criteria: Invitae Variant Classification Sherloc (09022015). Collection method: clinical testing. Allele origin: germline.
Comment: This variant is present in population databases (rs370059691, gnomAD 0.02%). This variant has not been reported in the literature in individuals affected with DENND5A-related conditions. Algorithms developed to predict the effect of missense changes on protein structure and function are either unavailable or do not agree on the potential impact of this missense change (SIFT: "Deleterious"; PolyPhen-2: "Probably Damaging"; Align-GVGD: "Class C0"). In summary, the available evidence is currently insufficient to determine the role of this variant in disease. Therefore, it has been classified as a Variant of Uncertain Significance. This sequence change replaces threonine, which is neutral and polar, with methionine, which is neutral and non-polar, at codon 1134 of the DENND5A protein (p.Thr1134Met).

NM_015213.4(DENND5A):c.3401C>T (p.Thr1134Met)

Gene: DENND5A (DENN domain containing 5A; minus strand). Cytogenetic location: 11p15.4.
Variant type: single nucleotide variant.
Coding change: c.3401C>T on transcript NM_015213.4 (MANE Select); coding-DNA position 3401, C replaced by T.
Protein change: p.Thr1134Met; replaces threonine 1134 with methionine.
Molecular consequence: missense variant. On other transcripts: non-coding transcript variant (1).
Genome position (GRCh38, 1-based): chr11:9,142,832, G>A on the plus strand (C>T on the coding strand, the complement: DENND5A is on the minus strand). VCF-style: chr11-9142832-G-A. GRCh37 (hg19) VCF-style: chr11-9164379-G-A.
Other names: c.3401C>T, p.Thr1134Met (NM_001243254.2, NM_001348748.1); c.3329C>T, p.Thr1110Met (NM_001348749.2); c.3113C>T, p.Thr1038Met (NM_001348750.2); short protein forms T1110M, T1038M, T1134M.
Identifiers: ClinVar variation 1948515 (VCV001948515.3), dbSNP rs370059691, ClinGen allele CA5877036.
Genomic context (GRCh38, chr11:9,142,832, plus strand): 5'-CCATGCTGGAAAGCCTGTTCCAAGGCCGAGACAAGGCCACACTCTCCACAGAGCAACAGC[G>A]TCAGACTGCCTCGCTACGTAAGGAAACAGGGGAGGGTGCCAGGCTTGTCTCAGCCGAGCT-3'
Protein context (NP_056028.2, residues 1124-1144): HKPEKERGSL[Thr1134Met]LLLCGECGLV